The following is an entry in ClinVar:

ClinVar aggregate classification (germline): Uncertain significance (1 of 4 stars; one submission).

Submission:

GeneDx
Classification: Uncertain significance. Last evaluated: 2023-06-27. Review status: criteria provided, single submitter. Criteria: GeneDx Variant Classification Process June 2021. Collection method: clinical testing. Allele origin: germline. Affected: yes.
Comment: Not observed at significant frequency in large population cohorts (gnomAD); In silico analysis supports that this missense variant has a deleterious effect on protein structure/function; Has not been previously published as pathogenic or benign to our knowledge

NM_020297.4(ABCC9):c.3817G>A (p.Glu1273Lys)

Genes: ABCC9 (ATP binding cassette subfamily C member 9; minus strand), KCNJ8-AS1 (KCNJ8 antisense RNA 1; plus strand). Cytogenetic location: 12p12.1.
Variant type: single nucleotide variant.
Coding change: c.3817G>A on transcript NM_020297.4 (MANE Select); coding-DNA position 3817, G replaced by A.
Protein change: p.Glu1273Lys; replaces glutamic acid 1273 with lysine.
Molecular consequence: missense variant.
Genome position (GRCh38, 1-based): chr12:21,817,262, C>T on the plus strand (G>A on the coding strand, the complement: ABCC9 is on the minus strand). VCF-style: chr12-21817262-C-T. GRCh37 (hg19) VCF-style: chr12-21970196-C-T.
Other names: c.3817G>A, p.Glu1273Lys (NM_001377273.1, NM_005691.4); c.2950G>A, p.Glu984Lys (NM_001377274.1); short protein forms E1273K, E984K.
Identifiers: ClinVar variation 3360534 (VCV003360534.1).